The following is an entry in ClinVar:

NM_001364905.1(LRBA):c.217-1G>A

Gene: LRBA (LPS responsive beige-like anchor protein; minus strand). Cytogenetic location: 4q31.3.
Variant type: single nucleotide variant.
Coding change: c.217-1G>A on transcript NM_001364905.1 (MANE Select); the canonical splice acceptor site of the intron before coding-DNA position 217, G replaced by A.
Molecular consequence: splice acceptor variant.
Genome position (GRCh38, 1-based): chr4:150,929,066, C>T on the plus strand (G>A on the coding strand, the complement: LRBA is on the minus strand). VCF-style: chr4-150929066-C-T. GRCh37 (hg19) VCF-style: chr4-151850218-C-T.
Other names: c.217-1G>A (NM_001367550.1, NM_006726.5, NM_001199282.3 and 2 more transcripts).
Identifiers: ClinVar variation 3384669 (VCV003384669.2).

ClinVar aggregate classification (germline): Likely pathogenic (0 of 4 stars; one submission).

Conditions:
Combined immunodeficiency due to LRBA deficiency. Also called: Common variable immunodeficiency 8, with autoimmunity. Identifiers: Orphanet 445018, MedGen C3553512, MONDO:0013863, OMIM 614700.

Submission:

National Institute of Immunohaematology, Indian Council of Medical Research
Classification: Likely pathogenic for Combined immunodeficiency due to LRBA deficiency. Review status: no assertion criteria provided. Collection method: research. Allele origin: germline. Inheritance: Autosomal recessive inheritance. Affected: yes. Observed: 1 homozygote.
Comment: Splice site acceptor variant c.217-1G>A in Exon 2 of the LRBA gene that results in the amino acid substitution was identified. The observed variant is novel in gnomAD exomes and genomes, respectively. The severity of the impact of this variant on the protein is high, based on the effect of the protein and REVEL score.

Literature cited by the submitters: PubMed 22608502.